The following is an entry in ClinVar:

ClinVar aggregate classification (germline): Pathogenic (1 of 4 stars; one submission).

Conditions:
Ataxia-telangiectasia syndrome (AT). Also called: Ataxia-telangiectasia, complementation group D; AT, COMPLEMENTATION GROUP C; ATAXIA-TELANGIECTASIA, COMPLEMENTATION GROUP A; ATAXIA-TELANGIECTASIA, FRESNO VARIANT; Ataxia-telangiectasia; Ataxia-telangiectasia, complementation group E. Identifiers: Orphanet 100, MedGen C0004135, MONDO:0008840, OMIM 208900.

Submission:

Labcorp Genetics (formerly Invitae), Labcorp
Classification: Pathogenic for Ataxia-telangiectasia syndrome. Last evaluated: 2024-09-19. Review status: criteria provided, single submitter. Criteria: Invitae Variant Classification Sherloc (09022015). Collection method: clinical testing. Allele origin: germline.
Comment: This sequence change creates a premature translational stop signal (p.Lys2318*) in the ATM gene. It is expected to result in an absent or disrupted protein product. Loss-of-function variants in ATM are known to be pathogenic (PMID: 23807571, 25614872). This variant is not present in population databases (gnomAD no frequency). This variant has not been reported in the literature in individuals affected with ATM-related conditions. Algorithms developed to predict the effect of sequence changes on RNA splicing suggest that this variant may disrupt the consensus splice site. For these reasons, this variant has been classified as Pathogenic.

Literature cited by the submitters: PubMed 23807571; PubMed 25614872.

NM_000051.4(ATM):c.6952A>T (p.Lys2318Ter)

Genes: ATM (ATM serine/threonine kinase; plus strand), C11orf65 (chromosome 11 open reading frame 65; minus strand). Cytogenetic location: 11q22.3.
Variant type: single nucleotide variant.
Coding change: c.6952A>T on transcript NM_000051.4 (MANE Select); coding-DNA position 6952, A replaced by T.
Protein change: p.Lys2318Ter; replaces lysine 2318 with a stop codon.
Molecular consequence: nonsense. On other transcripts: intron variant (2).
Genome position (GRCh38, 1-based): chr11:108,326,202, A>T. VCF-style: chr11-108326202-A-T. GRCh37 (hg19) VCF-style: chr11-108196929-A-T.
Other names: c.6952A>T, p.Lys2318Ter (NM_001351834.2); c.641-17131T>A (NM_001330368.2); c.*38+9018T>A (NM_001351110.2); short protein forms K2318*.
Identifiers: ClinVar variation 3719819 (VCV003719819.2).